The following is an entry in ClinVar:

ClinVar aggregate classification (germline): Pathogenic/Likely pathogenic. Review status: criteria provided, multiple submitters, no conflicts (2 of 4 stars). 2 submissions from 2 submitters: Pathogenic (1); Likely pathogenic (1). Last evaluated 2026-04-28.

Conditions:
X-linked cone-rod dystrophy 3 (CORDX3). Identifiers: Orphanet 1872, MedGen C1845407, MONDO:0010335, OMIM 300476.

Submissions (2):

Wales Gene Park, Division Of Cancer and Genetics, Cardiff University
Classification: Likely pathogenic for X-linked cone-rod dystrophy 3. Last evaluated: 2026-04-28. Review status: criteria provided, single submitter. Criteria: ACGS Best Practice Guidelines for Variant Classification in Rare Disease 2024. Collection method: research. Allele origin: unknown. Inheritance: X-linked inheritance. Affected: yes. Study: 100,000 Genomes Project (Wales).
Comment: Hemizygous CACNA1F frameshift variant detected by genome sequencing. Not present in gnomAD (v4.1.1). Evidence codes: PVS1_strong, PM2.

CeGaT Center for Human Genetics Tuebingen
Classification: Pathogenic. Last evaluated: 2024-10-01. Review status: criteria provided, single submitter. Criteria: CeGaT Center For Human Genetics Tuebingen Variant Classification Criteria Version 2. Collection method: clinical testing. Allele origin: germline. Affected: yes. Observed: 2 variant alleles.
Comment: CACNA1F: PVS1, PM2, PS4:Moderate

NM_001256789.3(CACNA1F):c.342del (p.Phe115fs)

Gene: CACNA1F (calcium voltage-gated channel subunit alpha1 F; minus strand). Cytogenetic location: Xp11.23.
Variant type: Deletion.
Coding change: c.342del on transcript NM_001256789.3 (MANE Select); coding-DNA position 342, one base deleted (C; older notation c.342delC).
Protein change: p.Phe115fs; shifts the reading frame from phenylalanine 115.
Molecular consequence: frameshift variant.
Genome position (GRCh38, 1-based): chrX:49,231,241, G deleted on the plus strand (C on the coding strand, the reverse complement: CACNA1F is on the minus strand); the first of 4 consecutive G bases (chrX:49,231,241-49,231,244); deleting any one gives the same sequence. VCF-style (leftmost placement, unchanged base first): chrX-49231240-AG-A. GRCh37 (hg19) VCF-style: chrX-49087702-AG-A.
Other names: c.147del, p.Phe50fs (NM_001256790.3); c.342del, p.Phe115fs (NM_005183.4); short protein forms F115fs, F50fs.
Identifiers: ClinVar variation 3239582 (VCV003239582.20), dbSNP rs2519141206.
Genomic context (GRCh38, chrX:49,231,240, plus strand): 5'-GCTGGGGCGGGGCGGGCCTTACCAGGTTGTGGTTGGCAGTGTTGGAGTCGTCCTCAGGGA[AG>A]GGGATGTAAACTCCCAGGGCCACGCAGTTGGCAAAGATGGTCAGCAGGATGAGGATGTCG-3'